The following is an entry in ClinVar:

ClinVar aggregate classification (germline): Pathogenic (1 of 4 stars; one submission).

Conditions:
Cone-rod dystrophy 6 (CORD6). Also called: Cone dystrophy progressive; RETINAL CONE DYSTROPHY 2. Identifiers: Orphanet 1872, MedGen C1866293, MONDO:0011143, OMIM 601777.
Leber congenital amaurosis 1 (LCA1). Also called: AMAUROSIS CONGENITA OF LEBER I; RETINAL BLINDNESS, CONGENITAL; Congenital absence of the rods and cones; Leber's congenital tapetoretinal degeneration; Leber's congenital tapetoretinal dysplasia. Identifiers: Orphanet 65, MedGen C2931258, MONDO:0008764, OMIM 204000.

Submission:

Labcorp Genetics (formerly Invitae), Labcorp
Classification: Pathogenic for Leber congenital amaurosis 1; Cone-rod dystrophy 6. Last evaluated: 2019-12-11. Review status: criteria provided, single submitter. Criteria: Invitae Variant Classification Sherloc (09022015). Collection method: clinical testing. Allele origin: germline.
Comment: Loss-of-function variants in GUCY2D are known to be pathogenic (PMID: 10951519, 11328726). For these reasons, this variant has been classified as Pathogenic. Algorithms developed to predict the effect of sequence changes on RNA splicing suggest that this variant may create or strengthen a splice site, but this prediction has not been confirmed by published transcriptional studies. This variant has been observed in individual(s) with Leber congenital amaurosis (PMID: 29068479). This variant is not present in population databases (ExAC no frequency). This sequence change creates a premature translational stop signal (p.Leu1022*) in the GUCY2D gene. It is expected to result in an absent or disrupted protein product.

Literature cited by the submitters: PubMed 10951519; PubMed 11328726; PubMed 29068479.

NM_000180.4(GUCY2D):c.3065T>A (p.Leu1022Ter)

Gene: GUCY2D (guanylate cyclase 2D, retinal; plus strand). Cytogenetic location: 17p13.1.
Variant type: single nucleotide variant.
Coding change: c.3065T>A on transcript NM_000180.4 (MANE Select); coding-DNA position 3065, T replaced by A.
Protein change: p.Leu1022Ter; replaces leucine 1022 with a stop codon.
Molecular consequence: nonsense.
Genome position (GRCh38, 1-based): chr17:8,015,948, T>A. VCF-style: chr17-8015948-T-A. GRCh37 (hg19) VCF-style: chr17-7919266-T-A.
Other names: short protein forms L1022*.
Identifiers: ClinVar variation 864510 (VCV000864510.9), dbSNP rs866511152, ClinGen allele CA287534419.